The following is an entry in ClinVar:

ClinVar aggregate classification (germline): Likely benign (0 of 4 stars; one submission).

Conditions:
NCOR2-related disorder. Also called: NCOR2-related condition.

Allele frequency attached by ClinVar (database versions not stated): TOPMed 0.00007; gnomAD 0.00019; gnomAD exomes 0.00024; 1000 Genomes Project 30x 0.00031; 1000 Genomes Project 0.00040; ExAC 0.00047.
gnomAD v4.1: 376 of 1,596,914 alleles (0.024%); highest among the groups gnomAD compares: South Asian, 0.38%; 1 homozygote.

Submission:

PreventionGenetics, part of Exact Sciences
Classification: Likely benign for NCOR2-related condition. Last evaluated: 2019-05-17. Review status: no assertion criteria provided. Collection method: clinical testing. Allele origin: germline.
Comment: This variant is classified as likely benign based on ACMG/AMP sequence variant interpretation guidelines (Richards et al. 2015 PMID: 25741868, with internal and published modifications).

NM_006312.6(NCOR2):c.3282C>T (p.Pro1094=)

Gene: NCOR2 (nuclear receptor corepressor 2; minus strand). Cytogenetic location: 12q24.31.
Variant type: single nucleotide variant.
Coding change: c.3282C>T on transcript NM_006312.6 (MANE Select); coding-DNA position 3282, C replaced by T.
Protein change: p.Pro1094=; no amino-acid change (proline 1094 retained).
Molecular consequence: synonymous variant.
Genome position (GRCh38, 1-based): chr12:124,355,531, G>A on the plus strand (C>T on the coding strand, the complement: NCOR2 is on the minus strand). VCF-style: chr12-124355531-G-A. GRCh37 (hg19) VCF-style: chr12-124840077-G-A.
Other names: c.3252C>T, p.Pro1084= (NM_001077261.4, NM_001206654.2).
Identifiers: ClinVar variation 3038050 (VCV003038050.2), dbSNP rs564573781, ClinGen allele CA6868726.